The following is an entry in ClinVar:

ClinVar aggregate classification (germline): Uncertain significance. Review status: criteria provided, multiple submitters, no conflicts (2 of 4 stars). 4 submissions from 4 submitters: Uncertain significance (4). Last evaluated 2025-11-23.

Conditions:
Endometrial carcinoma. Also called: Endometrial carcinoma, somatic. Identifiers: MedGen C0476089, MONDO:0002447, OMIM 608089, HP:0012114.
Familial adenomatous polyposis 4 (FAP4). Also called: MSH3-related attenuated familial adenomatous polyposis. Identifiers: Orphanet 480536, MedGen C4310719, MONDO:0044300, OMIM 617100.
Hereditary cancer-predisposing syndrome. Also called: Neoplastic Syndromes, Hereditary; Tumor predisposition; Hereditary Cancer Syndrome; Hereditary neoplastic syndrome. Identifiers: Orphanet 140162, MedGen C0027672, MeSH D009386, MONDO:0015356.

Allele frequency attached by ClinVar (database versions not stated): ExAC 0.00001; gnomAD 0.00001; gnomAD exomes 0.00001; TOPMed 0.00002.
gnomAD v4.1: 4 of 1,607,550 alleles (0.00025%); highest among the groups gnomAD compares: East Asian, 0.0067%; no homozygotes.

Submissions (4):

Ambry Genetics
Classification: Uncertain significance for Hereditary cancer-predisposing syndrome. Last evaluated: 2025-11-23. Review status: criteria provided, single submitter. Criteria: Ambry Variant Classification Scheme 2023. Collection method: clinical testing. Allele origin: germline.
Comment: The p.T536A variant (also known as c.1606A>G), located in coding exon 11 of the MSH3 gene, results from an A to G substitution at nucleotide position 1606. The threonine at codon 536 is replaced by alanine, an amino acid with similar properties. This amino acid position is not well conserved in available vertebrate species. In addition, the in silico prediction for this alteration is inconclusive. Since supporting evidence is limited at this time, the clinical significance of this alteration remains unclear.

Labcorp Genetics (formerly Invitae), Labcorp
Classification: Uncertain significance. Last evaluated: 2025-09-08. Review status: criteria provided, single submitter. Criteria: Invitae Variant Classification Sherloc (09022015). Collection method: clinical testing. Allele origin: germline.
Comment: This sequence change replaces threonine, which is neutral and polar, with alanine, which is neutral and non-polar, at codon 536 of the MSH3 protein (p.Thr536Ala). This variant is present in population databases (rs756837309, gnomAD 0.02%). This variant has not been reported in the literature in individuals affected with MSH3-related conditions. ClinVar contains an entry for this variant (Variation ID: 639727). An algorithm developed to predict the effect of missense changes on protein structure and function (PolyPhen-2) suggests that this variant is likely to be tolerated. In summary, the available evidence is currently insufficient to determine the role of this variant in disease. Therefore, it has been classified as a Variant of Uncertain Significance.

Fulgent Genetics
Classification: Uncertain significance for Endometrial carcinoma; Familial adenomatous polyposis 4. Last evaluated: 2024-03-09. Review status: criteria provided, single submitter. Criteria: ACMG Guidelines, 2015. Collection method: clinical testing. Allele origin: germline.

Baylor Genetics
Classification: Uncertain significance for Endometrial carcinoma. Last evaluated: 2023-11-02. Review status: criteria provided, single submitter. Criteria: ACMG Guidelines, 2015. Collection method: clinical testing. Allele origin: unknown.

NM_002439.5(MSH3):c.1606A>G (p.Thr536Ala)

Gene: MSH3 (mutS homolog 3; plus strand). Cytogenetic location: 5q14.1.
Variant type: single nucleotide variant.
Coding change: c.1606A>G on transcript NM_002439.5 (MANE Select); coding-DNA position 1606, A replaced by G.
Protein change: p.Thr536Ala; replaces threonine 536 with alanine.
Molecular consequence: missense variant.
Genome position (GRCh38, 1-based): chr5:80,741,501, A>G. VCF-style: chr5-80741501-A-G. GRCh37 (hg19) VCF-style: chr5-80037320-A-G.
Other names: short protein forms T536A.
Identifiers: ClinVar variation 639727 (VCV000639727.15), dbSNP rs756837309, ClinGen allele CA3327980.
Genomic context (GRCh38, chr5:80,741,501, plus strand): 5'-AATTATATTTGATTCTTTTACAGGAATTTTAAACAGCTATCAAGTAAAATGGAATTTATG[A>G]CAATTAATGGAACAACATTAAGGAATCTGGAAATCCTACAGAATCAGGTCAGGCAAATAC-3'
Protein context (NP_002430.3, residues 526-546): KQLSSKMEFM[Thr536Ala]INGTTLRNLE